The following is an entry in ClinVar:

NM_005141.5(FGB):c.426T>G (p.Ser142=)

Gene: FGB (fibrinogen beta chain; plus strand). Cytogenetic location: 4q31.3.
Variant type: single nucleotide variant.
Coding change: c.426T>G on transcript NM_005141.5 (MANE Select); coding-DNA position 426, T replaced by G.
Protein change: p.Ser142=; no amino-acid change (serine 142 retained).
Molecular consequence: synonymous variant. On other transcripts: intron variant (1).
Genome position (GRCh38, 1-based): chr4:154,566,608, T>G. VCF-style: chr4-154566608-T-G. GRCh37 (hg19) VCF-style: chr4-155487760-T-G.
Other names: c.249T>G, p.Ser83= (NM_001184741.1); c.426T>G, p.Ser142= (NM_001382760.1, NM_001382761.1, NM_001382762.1 and 3 more transcripts); c.307-13T>G (NM_001382759.1).
Identifiers: ClinVar variation 3058366 (VCV003058366.2), dbSNP rs1277349539, ClinGen allele CA441810365.

ClinVar aggregate classification (germline): Likely benign (0 of 4 stars; one submission).

Conditions:
FGB-related disorder. Also called: FGB-related condition.

Allele frequency attached by ClinVar (database versions not stated): gnomAD exomes below 0.00001.
gnomAD v4.1: 1 of 1,614,154 alleles (0.000062%); highest among the groups gnomAD compares: Non-Finnish European, 0.000085%; no homozygotes.

Submission:

PreventionGenetics, part of Exact Sciences
Classification: Likely benign for FGB-related condition. Last evaluated: 2019-03-07. Review status: no assertion criteria provided. Collection method: clinical testing. Allele origin: germline.
Comment: This variant is classified as likely benign based on ACMG/AMP sequence variant interpretation guidelines (Richards et al. 2015 PMID: 25741868, with internal and published modifications).